The following is an entry in ClinVar:

NM_000180.4(GUCY2D):c.2008C>T (p.Arg670Trp)

Gene: GUCY2D (guanylate cyclase 2D, retinal; plus strand). Cytogenetic location: 17p13.1.
Variant type: single nucleotide variant.
Coding change: c.2008C>T on transcript NM_000180.4 (MANE Select); coding-DNA position 2008, C replaced by T.
Protein change: p.Arg670Trp; replaces arginine 670 with tryptophan.
Molecular consequence: missense variant.
Genome position (GRCh38, 1-based): chr17:8,012,501, C>T. VCF-style: chr17-8012501-C-T. GRCh37 (hg19) VCF-style: chr17-7915819-C-T.
Other names: short protein forms R670W.
Identifiers: ClinVar variation 974638 (VCV000974638.3), dbSNP rs931906767, ClinGen allele CA287531201.

ClinVar aggregate classification (germline): Conflicting classifications of pathogenicity. Review status: criteria provided, conflicting classifications (1 of 4 stars). 4 submissions from 4 submitters: Likely pathogenic (2); Uncertain significance (1). 1 of the submissions does not count toward it. Last evaluated 2025-12-08.

Conditions:
Leber congenital amaurosis (LCA). Also called: Leber's amaurosis. Identifiers: Orphanet 65, MedGen C0339527, MeSH D057130, MONDO:0018998.
Leber congenital amaurosis 1 (LCA1). Also called: AMAUROSIS CONGENITA OF LEBER I; Congenital absence of the rods and cones; Leber's congenital tapetoretinal degeneration; Leber's congenital tapetoretinal dysplasia; RETINAL BLINDNESS, CONGENITAL. Identifiers: Orphanet 65, MedGen C2931258, MONDO:0008764, OMIM 204000.

Allele frequency attached by ClinVar (database versions not stated): gnomAD 0.00001; gnomAD exomes 0.00001.
gnomAD v4.1: 17 of 1,613,828 alleles (0.0011%); highest among the groups gnomAD compares: South Asian, 0.0033%; no homozygotes.

Submissions (4):

Research Institute for Ophthalmology and Vision Science, Shahid Beheshti University of Medical Sciences
Classification: Likely pathogenic for Leber congenital amaurosis. Last evaluated: 2025-12-08. Review status: criteria provided, single submitter. Criteria: ACMG Guidelines, 2015. Collection method: research. Allele origin: inherited. Inheritance: Autosomal recessive inheritance. Affected: yes.

Lab De Baere, Eye and Developmental Genetics Lab, Ghent University
Classification: Likely pathogenic for Leber congenital amaurosis. Last evaluated: 2024-10-01. Review status: criteria provided, single submitter. Criteria: ACMG Guidelines, 2015. Collection method: research. Allele origin: inherited. Affected: yes. Observed: 1 variant allele.
Comment: ACMG/AMP guidelines: PM2, PP5, PP3, PP1, PM3_1

Blueprint Genetics
Classification: Uncertain significance. Last evaluated: 2022-02-24. Review status: criteria provided, single submitter. Criteria: ACMG Guidelines, 2015. Collection method: clinical testing. Allele origin: germline.

Laboratory of Genetics in Ophthalmology, Institut Imagine
Classification: Likely pathogenic for Leber congenital amaurosis 1. Review status: no assertion criteria provided. Collection method: research. Allele origin: inherited. Affected: yes. Observed: 2 variant alleles. Not counted in ClinVar's aggregate classification.

Literature cited by the submitters: PubMed 26047050 (cited by Research Institute for Ophthalmology and Vision Science, Shahid Beheshti University of Medical Sciences and Laboratory of Genetics in Ophthalmology, Institut Imagine).